The following is an entry in ClinVar:

ClinVar aggregate classification (germline): Likely benign. Review status: criteria provided, multiple submitters, no conflicts (2 of 4 stars). 3 submissions from 3 submitters: Likely benign (2). 1 of the submissions does not count toward it. Last evaluated 2025-12-17.

Conditions:
MYO7A-related disorder. Also called: MYO7A-related disorders.

Allele frequency attached by ClinVar (database versions not stated): gnomAD exomes 0.00005 and 0.00011; gnomAD 0.00009 and 0.00010; TOPMed 0.00009; ExAC 0.00013; 1000 Genomes Project 30x 0.00031; 1000 Genomes Project 0.00040.
gnomAD v4.1: 89 of 1,613,932 alleles (0.0055%); highest among the groups gnomAD compares: Admixed American, 0.03%; no homozygotes.

Submissions (3):

Labcorp Genetics (formerly Invitae), Labcorp
Classification: Likely benign. Last evaluated: 2025-12-17. Review status: criteria provided, single submitter. Criteria: Invitae Variant Classification Sherloc (09022015). Collection method: clinical testing. Allele origin: germline.

Blueprint Genetics
Classification: Likely benign. Last evaluated: 2024-01-23. Review status: criteria provided, single submitter. Criteria: ACMG Guidelines, 2015. Collection method: clinical testing. Allele origin: germline.

PreventionGenetics, part of Exact Sciences
Classification: Likely benign for MYO7A-related condition. Last evaluated: 2019-03-01. Review status: no assertion criteria provided. Collection method: clinical testing. Allele origin: germline. Not counted in ClinVar's aggregate classification.
Comment: This variant is classified as likely benign based on ACMG/AMP sequence variant interpretation guidelines (Richards et al. 2015 PMID: 25741868, with internal and published modifications).

NM_000260.4(MYO7A):c.4938G>A (p.Ser1646=)

Gene: MYO7A (myosin VIIA; plus strand). Cytogenetic location: 11q13.5.
Variant type: single nucleotide variant.
Coding change: c.4938G>A on transcript NM_000260.4 (MANE Select); coding-DNA position 4938, G replaced by A.
Protein change: p.Ser1646=; no amino-acid change (serine 1646 retained).
Molecular consequence: synonymous variant.
Genome position (GRCh38, 1-based): chr11:77,201,533, G>A. VCF-style: chr11-77201533-G-A. GRCh37 (hg19) VCF-style: chr11-76912578-G-A.
Other names: c.4824G>A, p.Ser1608= (NM_001127180.2); c.4791G>A, p.Ser1597= (NM_001369365.1).
Identifiers: ClinVar variation 747750 (VCV000747750.14), dbSNP rs550479429, ClinGen allele CA6198580.
Genomic context (GRCh38, chr11:77,201,533, plus strand): 5'-CTTTGCCAAGGGAGACCTCATCATCCTGGACCATGACACGGGCGAGCAGGTCATGAACTC[G>A]GGCTGGGCCAACGGCATCAATGAGAGGACCAAGCAGCGTGGGGACTTCCCCACCGACAGT-3'
Protein context (NP_000251.3, residues 1636-1656): DHDTGEQVMN[Ser1646=]GWANGINERT